The following is an entry in ClinVar:

NM_000271.5(NPC1):c.2373+1G>T

Gene: NPC1 (NPC intracellular cholesterol transporter 1; minus strand). Cytogenetic location: 18q11.2.
Variant type: single nucleotide variant.
Coding change: c.2373+1G>T on transcript NM_000271.5 (MANE Select); the canonical splice donor site of the intron after coding-DNA position 2373, G replaced by T.
Molecular consequence: splice donor variant.
Genome position (GRCh38, 1-based): chr18:23,541,305, C>A on the plus strand (G>T on the coding strand, the complement: NPC1 is on the minus strand). VCF-style: chr18-23541305-C-A. GRCh37 (hg19) VCF-style: chr18-21121269-C-A.
Identifiers: ClinVar variation 4886405 (VCV004886405.2).

ClinVar aggregate classification (germline): Likely pathogenic (1 of 4 stars; one submission).

Submission:

Dasa
Classification: Likely pathogenic. Last evaluated: 2025-03-18. Review status: criteria provided, single submitter. Criteria: DASA Assertion Criteria. Collection method: clinical testing. Allele origin: germline.
Comment: NM_000271.5(NPC1):c.2373+1G>T affects a canonical splice site and is predicted to disrupt normal RNA splicing. Loss of function is an established disease mechanism for NPC1-associated disorders. Also, this variant is absent from population databases. Based on the currently available evidence, this variant is classified as likely pathogenic.